The following is an entry in ClinVar:

ClinVar aggregate classification (germline): Uncertain significance (1 of 4 stars; one submission).

Conditions:
Familial thoracic aortic aneurysm and aortic dissection (TAAD). Also called: Thoracic aortic aneurysms and dissections. Identifiers: Orphanet 91387, MedGen C4707243, MONDO:0019625.
Hereditary cancer-predisposing syndrome. Also called: Hereditary Cancer Syndrome; Hereditary neoplastic syndrome; Neoplastic Syndromes, Hereditary; Tumor predisposition. Identifiers: Orphanet 140162, MedGen C0027672, MeSH D009386, MONDO:0015356.

Submission:

Ambry Genetics
Classification: Uncertain significance for Hereditary cancer-predisposing syndrome; Familial thoracic aortic aneurysm and aortic dissection. Last evaluated: 2026-06-03. Review status: criteria provided, single submitter. Criteria: Ambry Variant Classification Scheme 2023. Collection method: clinical testing. Allele origin: germline.
Comment: The p.H427D variant (also known as c.1279C>G), located in coding exon 9 of the SMAD4 gene, results from a C to G substitution at nucleotide position 1279. The histidine at codon 427 is replaced by aspartic acid, an amino acid with similar properties. This amino acid position is conserved. In addition, this alteration is predicted to be deleterious by in silico analysis. Based on the available evidence, the clinical significance of this variant remains unclear.

NM_005359.6(SMAD4):c.1279C>G (p.His427Asp)

Gene: SMAD4 (SMAD family member 4; plus strand). Cytogenetic location: 18q21.2.
Variant type: single nucleotide variant.
Coding change: c.1279C>G on transcript NM_005359.6 (MANE Select); coding-DNA position 1279, C replaced by G.
Protein change: p.His427Asp; replaces histidine 427 with aspartic acid.
Molecular consequence: missense variant. On other transcripts: non-coding transcript variant (1).
Genome position (GRCh38, 1-based): chr18:51,067,158, C>G. VCF-style: chr18-51067158-C-G. GRCh37 (hg19) VCF-style: chr18-48593528-C-G.
Other names: c.1279C>G, p.His427Asp (NM_001407041.1, NM_001407042.1); short protein forms H427D.
Identifiers: ClinVar variation 3798808 (VCV003798808.2).